The following is an entry in ClinVar:

ClinVar aggregate classification (germline): Benign. Review status: criteria provided, multiple submitters, no conflicts (2 of 4 stars). 3 submissions from 3 submitters: Benign (2). 1 of the submissions does not count toward it. Last evaluated 2018-01-13.

Conditions:
Hereditary cancer-predisposing syndrome. Also called: Neoplastic Syndromes, Hereditary; Hereditary Cancer Syndrome; Hereditary neoplastic syndrome; Tumor predisposition. Identifiers: Orphanet 140162, MedGen C0027672, MeSH D009386, MONDO:0015356.
Peutz-Jeghers syndrome (PJS). Also called: POLYPOSIS, HAMARTOMATOUS INTESTINAL; POLYPS-AND-SPOTS SYNDROME; Peutz-Jeghers polyposis; Periorificial lentiginosis syndrome. Identifiers: Orphanet 2869, MedGen C0031269, MeSH D010580, MONDO:0008280, OMIM 175200.

Allele frequency attached by ClinVar (database versions not stated): 1000 Genomes Project 30x 0.00578; 1000 Genomes Project 0.00599; gnomAD 0.00633; TOPMed 0.00659.
gnomAD v4.1: 1,450 of 1,070,252 alleles (0.14%); highest among the groups gnomAD compares: African/African-American, 2.1%; 17 homozygotes.

Submissions (3):

Illumina Laboratory Services, Illumina
Classification: Benign for Peutz-Jeghers syndrome. Last evaluated: 2018-01-13. Review status: criteria provided, single submitter. Criteria: ICSL Variant Classification Criteria 13 December 2019. Collection method: clinical testing. Allele origin: germline.
Comment: This variant was observed in the ICSL laboratory as part of a predisposition screen in an ostensibly healthy population. It had not been previously curated by ICSL or reported in the Human Gene Mutation Database (HGMD: prior to June 1st, 2018), and was therefore a candidate for classification through an automated scoring system. Utilizing variant allele frequency, disease prevalence and penetrance estimates, and inheritance mode, an automated score was calculated to assess if this variant is too frequent to cause the disease. Based on the score and internal cut-off values, a variant classified as benign is not then subjected to further curation. The score for this variant resulted in a classification of benign for this disease.

Breakthrough Genomics
Classification: Benign. Review status: criteria provided, single submitter. Criteria: ACMG Guidelines, 2015. Collection method: not provided. Allele origin: germline. Inheritance: Autosomal dominant inheritance. Affected: yes.

Institute for Biomarker Research, Medical Diagnostic Laboratories, L.L.C.
Classification: Benign for Hereditary cancer-predisposing syndrome. Last evaluated: 2021-09-15. Review status: no assertion criteria provided. Collection method: clinical testing. Allele origin: germline. Not counted in ClinVar's aggregate classification.

NM_000455.5(STK11):c.*365C>G

Gene: STK11 (serine/threonine kinase 11; plus strand). Cytogenetic location: 19p13.3.
Variant type: single nucleotide variant.
Coding change: c.*365C>G on transcript NM_000455.5 (MANE Select); 365 bases downstream of the stop codon, C replaced by G.
Genome position (GRCh38, 1-based): chr19:1,227,941, C>G. VCF-style: chr19-1227941-C-G. GRCh37 (hg19) VCF-style: chr19-1227940-C-G.
Other names: c.*365C>G (LRG_319t1).
Identifiers: ClinVar variation 328237 (VCV000328237.7), dbSNP rs535975204, ClinGen allele CA10642301.